The following is an entry in ClinVar:

ClinVar aggregate classification (germline): Likely benign. Review status: criteria provided, multiple submitters, no conflicts (2 of 4 stars). 7 submissions from 7 submitters: Likely benign (6). 1 of the submissions does not count toward it. Last evaluated 2026-09-01.

Conditions:
LARS2-related disorder. Also called: LARS2-related condition.

Allele frequency attached by ClinVar (database versions not stated): ESP Exome Variant Server 0.00023; gnomAD 0.00047 and 0.00060; TOPMed 0.00062; 1000 Genomes Project 0.00080; 1000 Genomes Project 30x 0.00094.
gnomAD v4.1: 879 of 1,614,052 alleles (0.054%); highest among the groups gnomAD compares: Middle Eastern, 0.84%; 1 homozygote.

Submissions (7):

CeGaT Center for Human Genetics Tuebingen
Classification: Likely benign. Last evaluated: 2026-09-01. Review status: criteria provided, single submitter. Criteria: CeGaT Center For Human Genetics Tuebingen Variant Classification Criteria Version 2. Collection method: clinical testing. Allele origin: germline. Affected: yes. Observed: 14 variant alleles.
Comment: LARS2: BP4, BP7

Labcorp Genetics (formerly Invitae), Labcorp
Classification: Likely benign. Last evaluated: 2026-02-01. Review status: criteria provided, single submitter. Criteria: Invitae Variant Classification Sherloc (09022015). Collection method: clinical testing. Allele origin: germline.

Blueprint Genetics
Classification: Likely benign. Last evaluated: 2024-11-18. Review status: criteria provided, single submitter. Criteria: ACMG Guidelines, 2015. Collection method: clinical testing. Allele origin: germline.

GeneDx
Classification: Likely benign. Last evaluated: 2020-10-29. Review status: criteria provided, single submitter. Criteria: GeneDx Variant Classification Process June 2021. Collection method: clinical testing. Allele origin: germline. Affected: yes.

Laboratory for Molecular Medicine, Mass General Brigham Personalized Medicine
Classification: Likely benign. Last evaluated: 2017-09-22. Review status: criteria provided, single submitter. Criteria: LMM Criteria. Collection method: clinical testing. Allele origin: germline. Observed: 5 variant alleles.
Comment: p.Val336Val in exon 10 of LARS2: This variant is not expected to have clinical s ignificance because it does not alter an amino acid residue and is not located w ithin the splice consensus sequence. It has been identified in 0.2% (63/30778) o f South Asian chromosomes including 1 homozygote by the Genome Aggregation Datab ase (gnomAD; dbSNP rs142803778).

Breakthrough Genomics
Classification: Likely benign. Review status: criteria provided, single submitter. Criteria: ACMG Guidelines, 2015. Collection method: not provided. Allele origin: germline. Inheritance: Autosomal recessive inheritance. Affected: yes.

PreventionGenetics, part of Exact Sciences
Classification: Likely benign for LARS2-related condition. Last evaluated: 2019-11-14. Review status: no assertion criteria provided. Collection method: clinical testing. Allele origin: germline. Not counted in ClinVar's aggregate classification.
Comment: This variant is classified as likely benign based on ACMG/AMP sequence variant interpretation guidelines (Richards et al. 2015 PMID: 25741868, with internal and published modifications).

NM_015340.4(LARS2):c.1008C>T (p.Val336=)

Gene: LARS2 (leucyl-tRNA synthetase 2, mitochondrial; plus strand). Cytogenetic location: 3p21.31.
Variant type: single nucleotide variant.
Coding change: c.1008C>T on transcript NM_015340.4 (MANE Select); coding-DNA position 1008, C replaced by T.
Protein change: p.Val336=; no amino-acid change (valine 336 retained).
Molecular consequence: synonymous variant.
Genome position (GRCh38, 1-based): chr3:45,476,617, C>T. VCF-style: chr3-45476617-C-T. GRCh37 (hg19) VCF-style: chr3-45518109-C-T.
Other names: c.1008C>T, p.Val336= (NM_001368263.1).
Identifiers: ClinVar variation 504761 (VCV000504761.43), dbSNP rs142803778, ClinGen allele CA2349470.